The following is an entry in ClinVar:

NM_001482.3(GATM):c.484+1G>T

Gene: GATM (glycine amidinotransferase; minus strand). Cytogenetic location: 15q21.1.
Variant type: single nucleotide variant.
Coding change: c.484+1G>T on transcript NM_001482.3 (MANE Select); the canonical splice donor site of the intron after coding-DNA position 484, G replaced by T.
Molecular consequence: splice donor variant.
Genome position (GRCh38, 1-based): chr15:45,369,325, C>A on the plus strand (G>T on the coding strand, the complement: GATM is on the minus strand). VCF-style: chr15-45369325-C-A. GRCh37 (hg19) VCF-style: chr15-45661523-C-A.
Other names: IVS3DS, G-T, +1; c.97+1G>T (NM_001321015.2).
Identifiers: ClinVar variation 21299 (VCV000021299.6), dbSNP rs80338738, ClinGen allele CA341869.

ClinVar aggregate classification (germline): Pathogenic. Review status: reviewed by expert panel (3 of 4 stars). 3 submissions from 3 submitters: Pathogenic (1). 2 of the submissions do not count toward it. Last evaluated 2022-06-06.

Conditions:
Arginine:glycine amidinotransferase deficiency (CCDS3). Also called: Creatine deficiency syndrome due to AGAT deficiency; GATM deficiency; Cerebral creatine deficiency syndrome 3; AGAT deficiency; L-Arginine:Glycine Amidinotransferase (AGAT) Deficiency; L-Arginine:Glycine Amidinotransferase Deficiency. Identifiers: Orphanet 35704, MedGen C2675179, MONDO:0012996, OMIM 612718.
Fanconi renotubular syndrome 1. Also called: Toni-Debre-Fanconi syndrome; Neonatal De Toni-Debre-Fanconi syndrome; De Toni-Fanconi syndrome; LUDER-SHELDON SYNDROME; FRTS1. Identifiers: MedGen C4551503, MONDO:0024525, OMIM 134600.

Allele frequency attached by ClinVar (database versions not stated): gnomAD exomes below 0.00001.
gnomAD v4.1: 1 of 1,613,182 alleles (0.000062%); highest among the groups gnomAD compares: East Asian, 0.0022%; no homozygotes.

Submissions (3):

ClinGen Cerebral Creatine Deficiency Syndromes Variant Curation Expert Panel, ClinGen
Classification: Pathogenic for Arginine:glycine amidinotransferase deficiency. Last evaluated: 2022-06-06. Review status: reviewed by expert panel. Criteria: ClinGen_CCDS_ACMG_Specifications_GATM_v1.1. Collection method: curation. Allele origin: germline. Inheritance: Autosomal recessive inheritance.
Comment: The NM_001482.3:c.484+1G>T variant in GATM occurs within the canonical splice donor site of intron 3. It was shown by RT-PCR to cause skipping of exon 3, resulting in a frameshift, premature termination codon, and nonsense-mediated decay (PMID: 22386973) (PVS1). The highest population minor allele frequency in gnomAD v2.1.1 is 0.00005 (1/18394) in the East Asian population, which is lower than the ClinGen CCDS VCEP's threshold for PM2_Supporting (<0.0004), meeting this criterion (PM2_Supporting). The variant is noted in ClinVar (Variation ID: 21299). In summary, this variant meets the criteria to be classified as pathogenic for AGAT deficiency. GATM-specific ACMG/AMP codes met, as specified by the ClinGen Cerebral Creatine Deficiency Syndromes VCEP (Specifications Version 1.1.0): PVS1, PP4_Strong, PM3_Supporting, PM2_Supporting. (Classification approved by the ClinGen CCDS VCEP on June 6, 2022).

Fulgent Genetics
Classification: Pathogenic for Fanconi renotubular syndrome 1; Arginine:glycine amidinotransferase deficiency. Last evaluated: 2024-06-17. Review status: criteria provided, single submitter. Criteria: ACMG Guidelines, 2015. Collection method: clinical testing. Allele origin: germline. Not counted in ClinVar's aggregate classification.

OMIM
Classification: Pathogenic for CEREBRAL CREATINE DEFICIENCY SYNDROME 3. Last evaluated: 2012-05-01. Review status: no assertion criteria provided. Collection method: literature only. Allele origin: germline. Not counted in ClinVar's aggregate classification.

Literature cited by the submitters: PubMed 22386973 (cited by OMIM).